The following is an entry in ClinVar:

ClinVar aggregate classification (germline): Pathogenic (1 of 4 stars; one submission).

Conditions:
Hereditary cancer-predisposing syndrome. Also called: Tumor predisposition; Hereditary neoplastic syndrome; Hereditary Cancer Syndrome; Neoplastic Syndromes, Hereditary. Identifiers: Orphanet 140162, MedGen C0027672, MeSH D009386, MONDO:0015356.

Submission:

Color Diagnostics, LLC DBA Color Health
Classification: Pathogenic for Hereditary cancer-predisposing syndrome. Last evaluated: 2020-07-02. Review status: criteria provided, single submitter. Criteria: ACMG Guidelines, 2015. Collection method: clinical testing. Allele origin: germline.
Comment: This variant replaces two consecutive A nucleotides with a G nucleotide in exon 24 of the BRCA2 gene, creating a frameshift and premature translation stop signal. This variant is expected to result in an absent or non-functional protein product. To our knowledge, functional studies have not been reported for this variant. This variant has not been reported in individuals affected with hereditary cancer in the literature. This variant has not been identified in the general population by the Genome Aggregation Database (gnomAD). Loss of BRCA2 function is a known mechanism of disease. Based on the available evidence, this variant is classified as Pathogenic.

NM_000059.4(BRCA2):c.9252_9253delinsG (p.Thr3085fs)

Gene: BRCA2 (BRCA2 DNA repair associated; plus strand). Cytogenetic location: 13q13.1.
Variant type: Indel.
Coding change: c.9252_9253delinsG on transcript NM_000059.4 (MANE Select); coding-DNA positions 9252 to 9253, AA replaced by G.
Protein change: p.Thr3085fs; shifts the reading frame from threonine 3085.
Molecular consequence: frameshift variant.
Genome position (GRCh38, 1-based): chr13:32,380,141-32,380,142, AA replaced by G. VCF-style: chr13-32380141-AA-G. GRCh37 (hg19) VCF-style: chr13-32954278-AA-G.
Other names: short protein forms T3085fs.
Identifiers: ClinVar variation 1171468 (VCV001171468.2), dbSNP rs2137625898, ClinGen allele CA2499222372.